The following is an entry in ClinVar:

NM_001165963.4(SCN1A):c.2300A>G (p.Asp767Gly)

Gene: SCN1A (sodium voltage-gated channel alpha subunit 1; minus strand). Cytogenetic location: 2q24.3.
Variant type: single nucleotide variant.
Coding change: c.2300A>G on transcript NM_001165963.4 (MANE Select); coding-DNA position 2300, A replaced by G.
Protein change: p.Asp767Gly; replaces aspartic acid 767 with glycine.
Molecular consequence: missense variant. On other transcripts: 5 prime UTR variant (1), non-coding transcript variant (1).
Genome position (GRCh38, 1-based): chr2:166,041,346, T>C on the plus strand (A>G on the coding strand, the complement: SCN1A is on the minus strand). VCF-style: chr2-166041346-T-C. GRCh37 (hg19) VCF-style: chr2-166897856-T-C.
Other names: c.2216A>G, p.Asp739Gly (NM_001165964.3, NM_001353957.2, NM_001353958.2); c.2300A>G, p.Asp767Gly (NM_001202435.3, NM_001353948.2); c.2267A>G, p.Asp756Gly (NM_001353949.2, NM_001353950.2, NM_001353951.2 and 2 more transcripts); c.2264A>G, p.Asp755Gly (NM_001353954.2, NM_001353955.2); c.2213A>G, p.Asp738Gly (NM_001353960.2); c.-159A>G (NM_001353961.2); short protein forms D739G, D755G, D738G, D756G, D767G.
Identifiers: ClinVar variation 2005082 (VCV002005082.4), dbSNP rs759152714, ClinGen allele CA1943135.

ClinVar aggregate classification (germline): Uncertain significance (1 of 4 stars; one submission).

Conditions:
Early-infantile DEE. Also called: Early infantile epileptic encephalopathy; Ohtahara syndrome; Early infantile epileptic encephalopathy with suppression bursts. Identifiers: Orphanet 1934, MedGen C0393706, MONDO:0800491.

Allele frequency attached by ClinVar (database versions not stated): ExAC 0.00001.
gnomAD v4.1: 6 of 1,613,306 alleles (0.00037%); highest among the groups gnomAD compares: Non-Finnish European, 0.00051%; no homozygotes.

Submission:

Labcorp Genetics (formerly Invitae), Labcorp
Classification: Uncertain significance for Early-infantile DEE. Last evaluated: 2022-06-12. Review status: criteria provided, single submitter. Criteria: Invitae Variant Classification Sherloc (09022015). Collection method: clinical testing. Allele origin: germline.
Comment: This sequence change replaces aspartic acid, which is acidic and polar, with glycine, which is neutral and non-polar, at codon 767 of the SCN1A protein (p.Asp767Gly). In summary, the available evidence is currently insufficient to determine the role of this variant in disease. Therefore, it has been classified as a Variant of Uncertain Significance. Advanced modeling of protein sequence and biophysical properties (such as structural, functional, and spatial information, amino acid conservation, physicochemical variation, residue mobility, and thermodynamic stability) performed at Invitae indicates that this missense variant is expected to disrupt SCN1A protein function. This variant has not been reported in the literature in individuals affected with SCN1A-related conditions. This variant is present in population databases (rs759152714, gnomAD 0.0009%).